The following is an entry in ClinVar:

NM_031307.4(PUS3):c.714G>T (p.Gln238His)

Genes: HYLS1 (HYLS1 centriolar and ciliogenesis associated; plus strand), PUS3 (pseudouridine synthase 3; minus strand). Cytogenetic location: 11q24.2.
Variant type: single nucleotide variant.
Coding change: c.714G>T on transcript NM_031307.4 (MANE Select); coding-DNA position 714, G replaced by T.
Protein change: p.Gln238His; replaces glutamine 238 with histidine.
Molecular consequence: missense variant. On other transcripts: intron variant (5).
Genome position (GRCh38, 1-based): chr11:125,895,454, C>A on the plus strand (G>T on the coding strand, the complement: PUS3 is on the minus strand). VCF-style: chr11-125895454-C-A. GRCh37 (hg19) VCF-style: chr11-125765349-C-A.
Other names: c.-22-3893C>A (NM_001424364.1, NM_001377270.1); c.-25-3890C>A (NM_001377269.1, NM_001134793.2); c.90G>T, p.Gln30His (NM_001271985.2); c.-80-3650C>A (NM_145014.3); short protein forms Q30H, Q238H.
Identifiers: ClinVar variation 1366942 (VCV001366942.6), dbSNP rs1944553086, ClinGen allele CA383198447.

ClinVar aggregate classification (germline): Uncertain significance (1 of 4 stars; one submission).

Allele frequency attached by ClinVar (database versions not stated): gnomAD exomes below 0.00001; gnomAD 0.00001.
gnomAD v4.1: 3 of 1,614,034 alleles (0.00019%); highest among the groups gnomAD compares: Non-Finnish European, 0.00025%; no homozygotes.

Submission:

Labcorp Genetics (formerly Invitae), Labcorp
Classification: Uncertain significance. Last evaluated: 2022-08-16. Review status: criteria provided, single submitter. Criteria: Invitae Variant Classification Sherloc (09022015). Collection method: clinical testing. Allele origin: germline.
Comment: This variant has not been reported in the literature in individuals affected with PUS3-related conditions. In summary, the available evidence is currently insufficient to determine the role of this variant in disease. Therefore, it has been classified as a Variant of Uncertain Significance. Algorithms developed to predict the effect of missense changes on protein structure and function output the following: SIFT: "Tolerated"; PolyPhen-2: "Benign"; Align-GVGD: "Class C0". The histidine amino acid residue is found in multiple mammalian species, which suggests that this missense change does not adversely affect protein function. ClinVar contains an entry for this variant (Variation ID: 1366942). This variant is not present in population databases (gnomAD no frequency). This sequence change replaces glutamine, which is neutral and polar, with histidine, which is basic and polar, at codon 238 of the PUS3 protein (p.Gln238His).